The following is an entry in ClinVar:

ClinVar aggregate classification (germline): Pathogenic/Likely pathogenic. Review status: criteria provided, multiple submitters, no conflicts (2 of 4 stars). 5 submissions from 5 submitters: Pathogenic (1); Likely pathogenic (4). Last evaluated 2026-01-28.

Conditions:
Dilated cardiomyopathy 1G (CMD1G). Identifiers: Orphanet 154, MedGen C1858763, MONDO:0011400, OMIM 604145.
Autosomal recessive limb-girdle muscular dystrophy type 2J (LGMDR10). Also called: MUSCULAR DYSTROPHY, LIMB-GIRDLE, AUTOSOMAL RECESSIVE 10; Limb-girdle muscular dystrophy, type 2J. Identifiers: Orphanet 140922, MedGen C1837342, MONDO:0012127, OMIM 608807.
Cardiovascular phenotype. Identifiers: MedGen CN230736.

Submissions (5):

Labcorp Genetics (formerly Invitae), Labcorp
Classification: Likely pathogenic for Dilated cardiomyopathy 1G; Autosomal recessive limb-girdle muscular dystrophy type 2J. Last evaluated: 2026-01-28. Review status: criteria provided, single submitter. Criteria: Invitae Variant Classification Sherloc (09022015). Collection method: clinical testing. Allele origin: germline.
Comment: This sequence change creates a premature translational stop signal (p.Ser19710Alafs*49) in the TTN gene. While this is not anticipated to result in nonsense mediated decay, it is expected to create a truncated TTN protein. This variant is not present in population databases (gnomAD no frequency). This premature translational stop signal has been observed in individual(s) with dilated cardiomyopathy (internal data). ClinVar contains an entry for this variant (Variation ID: 971215). This variant is located in the A band of TTN (PMID: 25589632). Truncating variants in this region are significantly overrepresented in patients affected with dilated cardiomyopathy (PMID: 25589632). Truncating variants in this region have also been reported in individuals affected with autosomal recessive centronuclear myopathy (PMID: 23975875). In summary, the currently available evidence indicates that the variant is pathogenic, but additional data are needed to prove that conclusively. Therefore, this variant has been classified as Likely Pathogenic.

CeGaT Center for Human Genetics Tuebingen
Classification: Likely pathogenic. Last evaluated: 2025-07-01. Review status: criteria provided, single submitter. Criteria: CeGaT Center For Human Genetics Tuebingen Variant Classification Criteria Version 2. Collection method: clinical testing. Allele origin: germline. Affected: yes. Observed: 1 variant allele.
Comment: TTN: PVS1:Strong, PM2

Molecular Genetics Laboratory, Motol Hospital
Classification: Pathogenic for Dilated cardiomyopathy 1G. Last evaluated: 2025-02-21. Review status: criteria provided, single submitter. Criteria: ACMG Guidelines, 2015. Collection method: clinical testing. Allele origin: germline. Affected: yes. Observed: 1 variant allele.
Comment: Truncating variants of the TTN gene are a well-known mechanism for dilated cardiomyopathy (MIM:604145). Detected in multiple unrelated families with familial DCM (internal laboratory data). ACMG PVS1, PS4, PM2, PM5, PP1.

Human Genetics Bochum, Ruhr University Bochum
Classification: Likely pathogenic. Last evaluated: 2023-12-20. Review status: criteria provided, single submitter. Criteria: ACMG Guidelines, 2015. Collection method: clinical testing. Allele origin: germline. Affected: yes.
Comment: ACMG criteria used to clasify this variant: PVS1, PM2_SUP

Ambry Genetics
Classification: Likely pathogenic for Cardiovascular phenotype. Last evaluated: 2021-06-05. Review status: criteria provided, single submitter. Criteria: Ambry Variant Classification Scheme 2023. Collection method: clinical testing. Allele origin: germline.
Comment: The c.31932delG variant, located in coding exon 127 of the TTN gene, results from a deletion of one nucleotide at nucleotide position 31932, causing a translational frameshift with a predicted alternate stop codon (p.S10645Afs*49). This exon is located in the A-band region of the N2-B isoform of the titin protein and is constitutively expressed in TTN transcripts (percent spliced in or PSI 100%). This alteration is expected to result in loss of function by premature protein truncation or nonsense-mediated mRNA decay. While truncating variants in TTN are present in 1-3% of the general population, truncating variants in the A-band are the most common cause of dilated cardiomyopathy (DCM) (Herman DS et al. N. Engl. J. Med., 2012 Feb;366:619-28; Roberts AM et al. Sci Transl Med, 2015 Jan;7:270ra6). TTN truncating variants encoded in constitutive exons (PSI >90%) have been found to be significantly associated with DCM regardless of their position in titin (Schafer S et al. Nat. Genet., 2017 01;49:46-53). As such, this alteration is classified as likely pathogenic.

Literature cited by the submitters: PubMed 25589632 (cited by Labcorp Genetics (formerly Invitae), Labcorp); PubMed 23975875 (cited by Labcorp Genetics (formerly Invitae), Labcorp); PubMed 22335739 (cited by Molecular Genetics Laboratory, Motol Hospital); PubMed 11788824 (cited by Molecular Genetics Laboratory, Motol Hospital).

NM_001267550.2(TTN):c.59127del (p.Ser19710fs)

Genes: TTN-AS1 (TTN antisense RNA 1; plus strand), TTN (titin; minus strand). Cytogenetic location: 2q31.2.
Variant type: Deletion.
Coding change: c.59127del on transcript NM_001267550.2 (MANE Select); coding-DNA position 59127, one base deleted (G; older notation c.59127delG).
Protein change: p.Ser19710fs; shifts the reading frame from serine 19710.
Molecular consequence: frameshift variant.
Genome position (GRCh38, 1-based): chr2:178,592,992, C deleted on the plus strand (G on the coding strand, the reverse complement: TTN is on the minus strand); the first of 3 consecutive C bases (chr2:178,592,992-178,592,994); deleting any one gives the same sequence. VCF-style (leftmost placement, unchanged base first): chr2-178592991-TC-T. GRCh37 (hg19) VCF-style: chr2-179457718-TC-T.
Other names: c.31932delG (NM_003319.4); c.54204del, p.Ser18069fs (NM_001256850.1); c.31932del, p.Ser10645fs (NM_003319.4); c.51423del, p.Ser17142fs (NM_133378.4); c.32307del, p.Ser10770fs (NM_133432.3); c.32508del, p.Ser10837fs (NM_133437.4); short protein forms S10770fs, S10837fs, S18069fs, S19710fs, S10645fs, S17142fs.
Identifiers: ClinVar variation 971215 (VCV000971215.23), dbSNP rs2050559188, ClinGen allele CA1139655662.